The following is an entry in ClinVar:

ClinVar aggregate classification (germline): Uncertain significance. Review status: criteria provided, multiple submitters, no conflicts (2 of 4 stars). 3 submissions from 3 submitters: Uncertain significance (3). Last evaluated 2026-04-25.

Conditions:
CYP11A1-related disorder. Also called: CYP11A1-related condition.
Inborn genetic diseases. Identifiers: MedGen C0950123, MeSH D030342.
Congenital adrenal insufficiency with 46, XY sex reversal OR 46,XY disorder of sex development-adrenal insufficiency due to CYP11A1 deficiency. Also called: Congenital adrenal insuffiency with 46, XY sex reversal OR 46,XY disorder of sex development-adrenal insufficiency due to CYP11A1 deficiency; P450scc DEFICIENCY. Identifiers: Orphanet 168558, MedGen C3151055, MONDO:0013400, OMIM 613743.

gnomAD v4.1: 21 of 1,613,854 alleles (0.0013%); highest among the groups gnomAD compares: African/African-American, 0.027%; no homozygotes.

Submissions (3):

PreventionGenetics, part of Exact Sciences
Classification: Uncertain significance for CYP11A1-related condition. Last evaluated: 2026-04-25. Review status: criteria provided, single submitter. Criteria: ACMG Guidelines, 2015. Collection method: clinical testing. Allele origin: germline.
Comment: The CYP11A1 c.880G>A variant is predicted to result in the amino acid substitution p.Val294Ile. To our knowledge, this variant has not been reported in the literature. This variant is reported in 0.040% of alleles in individuals of African descent in gnomAD. At this time, the clinical significance of this variant is uncertain due to the absence of conclusive functional and genetic evidence.

Ambry Genetics
Classification: Uncertain significance for Inborn genetic diseases. Last evaluated: 2024-09-30. Review status: criteria provided, single submitter. Criteria: Ambry Variant Classification Scheme 2023. Collection method: clinical testing. Allele origin: germline.

Fulgent Genetics
Classification: Uncertain significance for Congenital adrenal insufficiency with 46, XY sex reversal OR 46,XY disorder of sex development-adrenal insufficiency due to CYP11A1 deficiency. Last evaluated: 2024-04-27. Review status: criteria provided, single submitter. Criteria: ACMG Guidelines, 2015. Collection method: clinical testing. Allele origin: germline.

NM_000781.3(CYP11A1):c.880G>A (p.Val294Ile)

Gene: CYP11A1 (cytochrome P450 family 11 subfamily A member 1; minus strand). Cytogenetic location: 15q24.1.
Variant type: single nucleotide variant.
Coding change: c.880G>A on transcript NM_000781.3 (MANE Select); coding-DNA position 880, G replaced by A.
Protein change: p.Val294Ile; replaces valine 294 with isoleucine.
Molecular consequence: missense variant.
Genome position (GRCh38, 1-based): chr15:74,343,087, C>T on the plus strand (G>A on the coding strand, the complement: CYP11A1 is on the minus strand). VCF-style: chr15-74343087-C-T. GRCh37 (hg19) VCF-style: chr15-74635428-C-T.
Other names: c.406G>A, p.Val136Ile (NM_001099773.2); short protein forms V136I, V294I.
Identifiers: ClinVar variation 3499016 (VCV003499016.3).
Genomic context (GRCh38, chr15:74,343,087, plus strand): 5'-CGAAGGACATCTTGCTGTCTCCCAGGAGTCTGTAGAGGATGCCACGGTAATCGTGGTGAA[C>T]ACTTCCTTTCTGTCTCAATTCCCAGTAGAAGTTCTGGGTGTATATGTCAGCTGTGGGGAA-3'
Protein context (NP_000772.2, residues 284-304): FYWELRQKGS[Val294Ile]HHDYRGILYR